The following is an entry in ClinVar:

ClinVar aggregate classification (germline): Uncertain significance (1 of 4 stars; one submission).

Submission:

Ambry Genetics
Classification: Uncertain significance. Last evaluated: 2024-11-11. Review status: criteria provided, single submitter. Criteria: Ambry Variant Classification Scheme 2023. Collection method: clinical testing. Allele origin: germline.
Comment: The p.P58R variant (also known as c.173C>G), located in coding exon 1 of the GALNT12 gene, results from a C to G substitution at nucleotide position 173. The proline at codon 58 is replaced by arginine, an amino acid with dissimilar properties. This amino acid position is conserved. In addition, this alteration is predicted to be tolerated by in silico analysis. Since supporting evidence is limited at this time, the clinical significance of this alteration remains unclear.

NM_024642.5(GALNT12):c.173C>G (p.Pro58Arg)

Gene: GALNT12 (polypeptide N-acetylgalactosaminyltransferase 12; plus strand). Cytogenetic location: 9q22.33.
Variant type: single nucleotide variant.
Coding change: c.173C>G on transcript NM_024642.5 (MANE Select); coding-DNA position 173, C replaced by G.
Protein change: p.Pro58Arg; replaces proline 58 with arginine.
Molecular consequence: missense variant.
Genome position (GRCh38, 1-based): chr9:98,807,871, C>G. VCF-style: chr9-98807871-C-G. GRCh37 (hg19) VCF-style: chr9-101570153-C-G.
Other names: short protein forms P58R.
Identifiers: ClinVar variation 1779161 (VCV001779161.3), dbSNP rs1835411775, ClinGen allele CA374222455.